The following is an entry in ClinVar:

NM_015076.5(CDK19):c.596A>G (p.Tyr199Cys)

Gene: CDK19 (cyclin dependent kinase 19; minus strand). Cytogenetic location: 6q21.
Variant type: single nucleotide variant.
Coding change: c.596A>G on transcript NM_015076.5 (MANE Select); coding-DNA position 596, A replaced by G.
Protein change: p.Tyr199Cys; replaces tyrosine 199 with cysteine.
Molecular consequence: missense variant. On other transcripts: intron variant (1).
Genome position (GRCh38, 1-based): chr6:110,632,080, T>C on the plus strand (A>G on the coding strand, the complement: CDK19 is on the minus strand). VCF-style: chr6-110632080-T-C. GRCh37 (hg19) VCF-style: chr6-110953283-T-C.
Other names: c.416A>G, p.Tyr139Cys (NM_001300963.2, NM_001300964.2); c.515-4935A>G (NM_001300960.2); short protein forms Y139C, Y199C.
Identifiers: ClinVar variation 3367677 (VCV003367677.1).

ClinVar aggregate classification (germline): Uncertain significance (1 of 4 stars; one submission).

Submission:

GeneDx
Classification: Uncertain significance. Last evaluated: 2024-01-07. Review status: criteria provided, single submitter. Criteria: GeneDx Variant Classification Process June 2021. Collection method: clinical testing. Allele origin: germline. Affected: yes.
Comment: Not observed at significant frequency in large population cohorts (gnomAD); In silico analysis supports that this missense variant has a deleterious effect on protein structure/function; Has not been previously published as pathogenic or benign to our knowledge